The following is an entry in ClinVar:

ClinVar aggregate classification (germline): Uncertain significance. Review status: criteria provided, multiple submitters, no conflicts (2 of 4 stars). 2 submissions from 2 submitters: Uncertain significance (2). Last evaluated 2025-07-21.

Conditions:
NPHP1-related disorder. Also called: NPHP1-related condition; NPHP1-related disorders.
Nephronophthisis. Also called: Juvenile Nephronophthisis. Identifiers: Orphanet 655, MedGen C0687120, MONDO:0019005, HP:0000090.

Submissions (2):

PreventionGenetics, part of Exact Sciences
Classification: Uncertain significance for NPHP1-related condition. Last evaluated: 2025-07-21. Review status: criteria provided, single submitter. Criteria: ACMG Guidelines, 2015. Collection method: clinical testing. Allele origin: germline.
Comment: The NPHP1 c.1432C>T variant is predicted to result in the amino acid substitution p.Arg478Cys. To our knowledge, this variant has not been reported in the literature. This variant is reported in 0.011% of alleles in individuals of African descent in gnomAD. At this time, the clinical significance of this variant is uncertain due to the absence of conclusive functional and genetic evidence.

Labcorp Genetics (formerly Invitae), Labcorp
Classification: Uncertain significance for Nephronophthisis. Last evaluated: 2022-08-13. Review status: criteria provided, single submitter. Criteria: Invitae Variant Classification Sherloc (09022015). Collection method: clinical testing. Allele origin: germline.
Comment: This sequence change replaces arginine, which is basic and polar, with cysteine, which is neutral and slightly polar, at codon 478 of the NPHP1 protein (p.Arg478Cys). This variant is present in population databases (no rsID available, gnomAD 0.01%). This variant has not been reported in the literature in individuals affected with NPHP1-related conditions. Algorithms developed to predict the effect of missense changes on protein structure and function are either unavailable or do not agree on the potential impact of this missense change (SIFT: "Deleterious"; PolyPhen-2: "Benign"; Align-GVGD: "Class C25"). In summary, the available evidence is currently insufficient to determine the role of this variant in disease. Therefore, it has been classified as a Variant of Uncertain Significance.

NM_001128178.3(NPHP1):c.1264C>T (p.Arg422Cys)

Gene: NPHP1 (nephrocystin 1; minus strand). Cytogenetic location: 2q13.
Variant type: single nucleotide variant.
Coding change: c.1264C>T on transcript NM_001128178.3 (MANE Select); coding-DNA position 1264, C replaced by T.
Protein change: p.Arg422Cys; replaces arginine 422 with cysteine.
Molecular consequence: missense variant.
Genome position (GRCh38, 1-based): chr2:110,147,921, G>A on the plus strand (C>T on the coding strand, the complement: NPHP1 is on the minus strand). VCF-style: chr2-110147921-G-A. GRCh37 (hg19) VCF-style: chr2-110905498-G-A.
Other names: c.1432C>T, p.Arg478Cys (NM_000272.5); c.1075C>T, p.Arg359Cys (NM_001128179.3); c.1261C>T, p.Arg421Cys (NM_001374256.1); c.1264C>T, p.Arg422Cys (NM_001374257.1); c.1429C>T, p.Arg477Cys (NM_207181.4); c.1432C>T (NM_000272.3); short protein forms R421C, R359C, R422C, R477C, R478C.
Identifiers: ClinVar variation 2051883 (VCV002051883.2), dbSNP rs974811294, ClinGen allele CA348087797.